The following is an entry in ClinVar:

ClinVar aggregate classification (germline): Uncertain significance (1 of 4 stars; one submission).

Conditions:
Cystic fibrosis (CF). Also called: MUCOVISCIDOSIS. Identifiers: Orphanet 586, MedGen C0010674, MONDO:0009061, OMIM 219700. Disease mechanism: loss of function.

gnomAD v4.1: 2 of 152,220 alleles (0.0013%); highest among the groups gnomAD compares: African/African-American, 0.0048%; no homozygotes.

Submission:

Johns Hopkins Genomics, Johns Hopkins University
Classification: Uncertain significance for Cystic fibrosis. Last evaluated: 2024-04-10. Review status: criteria provided, single submitter. Criteria: ACMG Guidelines, 2015. Collection method: clinical testing. Allele origin: germline.
Comment: This CFTR intronic variant (rs768305259) is rare (<0.1%) in a large population dataset (gnomADv4.0.0: 2/152220 total alleles; 0.0013%; no homozygotes) and has not been reported in ClinVar nor the literature, to our knowledge. Three bioinformatic tools predict that this variant may create a cryptic splice donor site and lead to missplicing of CFTR, however, this has not been assessed experimentally to our knowledge. We consider the clinical significance of CFTR c.1392+4827A>G to be uncertain at this time.

NM_000492.4(CFTR):c.1392+4827A>G

Genes: CFTR (CF transmembrane conductance regulator; plus strand), CFTR-AS1 (CFTR antisense RNA 1; minus strand). Cytogenetic location: 7q31.2.
Variant type: single nucleotide variant.
Coding change: c.1392+4827A>G on transcript NM_000492.4 (MANE Select); 4827 bases into the intron after coding-DNA position 1392, A replaced by G.
Molecular consequence: intron variant.
Genome position (GRCh38, 1-based): chr7:117,553,650, A>G. VCF-style: chr7-117553650-A-G. GRCh37 (hg19) VCF-style: chr7-117193704-A-G.
Identifiers: ClinVar variation 4280012 (VCV004280012.1).